The following is an entry in ClinVar:

ClinVar aggregate classification (germline): Pathogenic (1 of 4 stars; one submission).

Conditions:
Autosomal recessive limb-girdle muscular dystrophy. Identifiers: Orphanet 102015, MedGen C2931907, MONDO:0015152.

Submission:

Myriad Genetics, Inc.
Classification: Pathogenic for Autosomal recessive limb-girdle muscular dystrophy. Last evaluated: 2023-09-27. Review status: criteria provided, single submitter. Criteria: Myriad Autosomal Dominant, Autosomal Recessive and X-Linked Classification Criteria (2023). Collection method: clinical testing. Allele origin: unknown.
Comment: NM_003494.3(DYSF):c.6019dupG(D2007Gfs*2) is expected to be pathogenic in the context of dysferlinopathy. This variant is predicted to lead to an abnormal or absent protein product due to the creation of a premature termination codon in DYSF, a gene where loss-of-function variants are known to be pathogenic. Please note: this variant was assessed in the context of healthy population screening.

NM_001130987.2(DYSF):c.6136dup (p.Asp2046fs)

Gene: DYSF (dysferlin; plus strand). Cytogenetic location: 2p13.2.
Variant type: Duplication.
Coding change: c.6136dup on transcript NM_001130987.2 (MANE Select); coding-DNA position 6136, one base duplicated (G; older notation c.6136dupG).
Protein change: p.Asp2046fs; shifts the reading frame from aspartic acid 2046.
Molecular consequence: frameshift variant.
Genome position (GRCh38, 1-based): chr2:71,681,073, G duplicated; the last of 3 consecutive G bases (chr2:71,681,071-71,681,073); duplicating any one gives the same sequence. VCF-style (leftmost placement, unchanged base first): chr2-71681070-C-CG. GRCh37 (hg19) VCF-style: chr2-71908200-C-CG.
Other names: c.6022dup, p.Asp2008fs (NM_001130455.2); c.5977dup, p.Asp1993fs (NM_001130976.2); c.6040dup, p.Asp2014fs (NM_001130977.2); c.6082dup, p.Asp2028fs (NM_001130978.2); c.6112dup, p.Asp2038fs (NM_001130979.2); c.6070dup, p.Asp2024fs (NM_001130980.2); c.6133dup, p.Asp2045fs (NM_001130981.2); c.6115dup, p.Asp2039fs (NM_001130982.2); and 5 more; short protein forms D1993fs, D1994fs, D2007fs, D2008fs, D2014fs, D2015fs, D2024fs, D2025fs.
Identifiers: ClinVar variation 5012062 (VCV005012062.1).